The following is an entry in ClinVar:

ClinVar aggregate classification (germline): Likely benign. Review status: criteria provided, multiple submitters, no conflicts (2 of 4 stars). 3 submissions from 3 submitters: Likely benign (3). Last evaluated 2026-01-20.

Conditions:
Developmental and epileptic encephalopathy, 9 (DEE9). Also called: Early infantile epileptic encephalopathy 9; EPILEPSY, FEMALE-RESTRICTED, WITH MENTAL RETARDATION; JUBERG-HELLMAN SYNDROME; PCDH19-Related X-Linked Female-Limited Epilepsy with Mental Retardation. Identifiers: Orphanet 101039, Orphanet 2076, MedGen C1848137, MONDO:0010246, OMIM 300088. Disease mechanism: loss of function.

Allele frequency attached by ClinVar (database versions not stated): gnomAD 0.00001.
gnomAD v4.1: 1 of 1,207,652 alleles (0.000083%); highest among the groups gnomAD compares: Admixed American, 0.0022%; no homozygotes.

Submissions (3):

Labcorp Genetics (formerly Invitae), Labcorp
Classification: Likely benign for Developmental and epileptic encephalopathy, 9. Last evaluated: 2026-01-20. Review status: criteria provided, single submitter. Criteria: Invitae Variant Classification Sherloc (09022015). Collection method: clinical testing. Allele origin: germline.

Blueprint Genetics
Classification: Likely benign. Last evaluated: 2024-10-28. Review status: criteria provided, single submitter. Criteria: ACMG Guidelines, 2015. Collection method: clinical testing. Allele origin: germline.

GeneDx
Classification: Likely benign. Last evaluated: 2017-09-14. Review status: criteria provided, single submitter. Criteria: GeneDx Variant Classification (06012015). Collection method: clinical testing. Allele origin: germline. Affected: yes.
Comment: This variant is considered likely benign or benign based on one or more of the following criteria: it is a conservative change, it occurs at a poorly conserved position in the protein, it is predicted to be benign by multiple in silico algorithms, and/or has population frequency not consistent with disease.

NM_001184880.2(PCDH19):c.2781T>C (p.Cys927=)

Gene: PCDH19 (protocadherin 19; minus strand). Cytogenetic location: Xq22.1.
Variant type: single nucleotide variant.
Coding change: c.2781T>C on transcript NM_001184880.2 (MANE Select); coding-DNA position 2781, T replaced by C.
Protein change: p.Cys927=; no amino-acid change (cysteine 927 retained).
Molecular consequence: synonymous variant.
Genome position (GRCh38, 1-based): chrX:100,341,970, A>G on the plus strand (T>C on the coding strand, the complement: PCDH19 is on the minus strand). VCF-style: chrX-100341970-A-G. GRCh37 (hg19) VCF-style: chrX-99596968-A-G.
Other names: c.2640T>C, p.Cys880= (NM_001105243.2); c.2637T>C, p.Cys879= (NM_020766.3).
Identifiers: ClinVar variation 512056 (VCV000512056.6), dbSNP rs1555977733, ClinGen allele CA517696798.